The following is an entry in ClinVar:

NM_000548.5(TSC2):c.2426C>A (p.Ser809Tyr)

Gene: TSC2 (TSC complex subunit 2; plus strand). Cytogenetic location: 16p13.3.
Variant type: single nucleotide variant.
Coding change: c.2426C>A on transcript NM_000548.5 (MANE Select); coding-DNA position 2426, C replaced by A.
Protein change: p.Ser809Tyr; replaces serine 809 with tyrosine.
Molecular consequence: missense variant.
Genome position (GRCh38, 1-based): chr16:2,074,270, C>A. VCF-style: chr16-2074270-C-A. GRCh37 (hg19) VCF-style: chr16-2124271-C-A.
Other names: c.2426C>A, p.Ser809Tyr (NM_001077183.3, NM_001114382.3, NM_001363528.2 and 3 more transcripts); c.2315C>A, p.Ser772Tyr (NM_001318827.2); c.2279C>A, p.Ser760Tyr (NM_001318829.2); c.1826C>A, p.Ser609Tyr (NM_001318831.2); c.2459C>A, p.Ser820Tyr (NM_001318832.2); c.2426C>A (NM_000548.3); short protein forms S809Y, S820Y, S760Y, S772Y, S609Y.
Identifiers: ClinVar variation 1395264 (VCV001395264.10), dbSNP rs2151350205, ClinGen allele CA394277278.

ClinVar aggregate classification (germline): Uncertain significance. Review status: criteria provided, multiple submitters, no conflicts (2 of 4 stars). 3 submissions from 3 submitters: Uncertain significance (3). Last evaluated 2024-06-24.

Conditions:
Hereditary cancer-predisposing syndrome. Also called: Hereditary neoplastic syndrome; Neoplastic Syndromes, Hereditary; Hereditary Cancer Syndrome; Tumor predisposition. Identifiers: Orphanet 140162, MedGen C0027672, MeSH D009386, MONDO:0015356.
Tuberous sclerosis 2 (TSC2). Identifiers: Orphanet 805, MedGen C1860707, MONDO:0013199, OMIM 613254.
Tuberous sclerosis syndrome (TSC). Also called: Tuberous Sclerosis Complex; Tuberous sclerosis. Identifiers: Orphanet 805, MedGen C0041341, MONDO:0001734.

Submissions (3):

Labcorp Genetics (formerly Invitae), Labcorp
Classification: Uncertain significance for Tuberous sclerosis 2. Last evaluated: 2024-06-24. Review status: criteria provided, single submitter. Criteria: Invitae Variant Classification Sherloc (09022015). Collection method: clinical testing. Allele origin: germline.
Comment: This sequence change replaces serine, which is neutral and polar, with tyrosine, which is neutral and polar, at codon 809 of the TSC2 protein (p.Ser809Tyr). This variant is not present in population databases (gnomAD no frequency). This variant has not been reported in the literature in individuals affected with TSC2-related conditions. ClinVar contains an entry for this variant (Variation ID: 1395264). Advanced modeling of protein sequence and biophysical properties (such as structural, functional, and spatial information, amino acid conservation, physicochemical variation, residue mobility, and thermodynamic stability) performed at Invitae indicates that this missense variant is not expected to disrupt TSC2 protein function with a negative predictive value of 95%. In summary, the available evidence is currently insufficient to determine the role of this variant in disease. Therefore, it has been classified as a Variant of Uncertain Significance.

All of Us Research Program, National Institutes of Health
Classification: Uncertain significance for Tuberous sclerosis syndrome. Last evaluated: 2023-06-28. Review status: criteria provided, single submitter. Criteria: ACMG Guidelines, 2015. Collection method: clinical testing. Allele origin: germline. Inheritance: Autosomal dominant inheritance. Observed: 1 variant allele, 1 heterozygote.
Comment: This study involves interpretation of variants in research participants for the purpose of population health screening. Participant phenotype was not available at the time of variant classification. Additional details can be found in publication PMID: 35346344, PMCID: PMC8962531

Ambry Genetics
Classification: Uncertain significance for Hereditary cancer-predisposing syndrome. Last evaluated: 2023-05-30. Review status: criteria provided, single submitter. Criteria: Ambry Variant Classification Scheme 2023. Collection method: clinical testing. Allele origin: germline.
Comment: The p.S809Y variant (also known as c.2426C>A), located in coding exon 21 of the TSC2 gene, results from a C to A substitution at nucleotide position 2426. The serine at codon 809 is replaced by tyrosine, an amino acid with dissimilar properties. This amino acid position is conserved. In addition, the in silico prediction for this alteration is inconclusive. Since supporting evidence is limited at this time, the clinical significance of this alteration remains unclear.